The following is an entry in ClinVar:

ClinVar aggregate classification (germline): Likely benign. Review status: criteria provided, multiple submitters, no conflicts (2 of 4 stars). 5 submissions from 5 submitters: Likely benign (5). Last evaluated 2025-12-29.

Conditions:
Cardiovascular phenotype. Identifiers: MedGen CN230736.
Hypertrophic cardiomyopathy 26. Also called: Cardiomyopathy, familial hypertrophic, 26. Identifiers: Orphanet 75249, MedGen C4310749, MONDO:0014883, OMIM 617047.
Distal myopathy with posterior leg and anterior hand involvement. Also called: WILLIAMS DISTAL MYOPATHY. Identifiers: Orphanet 63273, MedGen C3279722, MONDO:0013550, OMIM 614065.
Myofibrillar myopathy 5. Also called: Filaminopathy (type); FILAMINOPATHY, AUTOSOMAL DOMINANT. Identifiers: Orphanet 171445, MedGen C1836050, MONDO:0012289, OMIM 609524.
FLNC-related disorder. Also called: FLNC-related disorders; FLNC-related condition.

Allele frequency attached by ClinVar (database versions not stated): TOPMed 0.00006; gnomAD 0.00007; ExAC 0.00008.

Submissions (5):

Labcorp Genetics (formerly Invitae), Labcorp
Classification: Likely benign for Distal myopathy with posterior leg and anterior hand involvement; Myofibrillar myopathy 5; Hypertrophic cardiomyopathy 26. Last evaluated: 2025-12-29. Review status: criteria provided, single submitter. Criteria: Invitae Variant Classification Sherloc (09022015). Collection method: clinical testing. Allele origin: germline.

PreventionGenetics, part of Exact Sciences
Classification: Likely benign for FLNC-related condition. Last evaluated: 2025-12-17. Review status: criteria provided, single submitter. Criteria: ACMG Guidelines, 2015. Collection method: clinical testing. Allele origin: germline.
Comment: This variant is classified as likely benign based on ACMG/AMP sequence variant interpretation guidelines (Richards et al. 2015 PMID: 25741868, with internal and published modifications).

Blueprint Genetics
Classification: Likely benign. Last evaluated: 2024-01-19. Review status: criteria provided, single submitter. Criteria: ACMG Guidelines, 2015. Collection method: clinical testing. Allele origin: germline.

Ambry Genetics
Classification: Likely benign for Cardiovascular phenotype. Last evaluated: 2019-05-25. Review status: criteria provided, single submitter. Criteria: Ambry Variant Classification Scheme 2023. Collection method: clinical testing. Allele origin: germline.

GeneDx
Classification: Likely benign. Last evaluated: 2018-10-16. Review status: criteria provided, single submitter. Criteria: GeneDx Variant Classification Process June 2021. Collection method: clinical testing. Allele origin: germline. Affected: yes.

NM_001458.5(FLNC):c.1857C>T (p.Asp619=)

Gene: FLNC (filamin C; plus strand). Cytogenetic location: 7q32.1.
Variant type: single nucleotide variant.
Coding change: c.1857C>T on transcript NM_001458.5 (MANE Select); coding-DNA position 1857, C replaced by T.
Protein change: p.Asp619=; no amino-acid change (aspartic acid 619 retained).
Molecular consequence: synonymous variant.
Genome position (GRCh38, 1-based): chr7:128,841,213, C>T. VCF-style: chr7-128841213-C-T. GRCh37 (hg19) VCF-style: chr7-128481267-C-T.
Other names: c.1857C>T, p.Asp619= (NM_001127487.2).
Identifiers: ClinVar variation 539478 (VCV000539478.30), dbSNP rs771469976, ClinGen allele CA4474518.
Genomic context (GRCh38, chr7:128,841,213, plus strand): 5'-CCCCCACCTTGCCCCAGGCTTCTCCATCGAGGGGCCCTCACAAGCCAAGATCGAATGTGA[C>T]GACAAGGGGGATGGCTCCTGCGATGTGCGGTACTGGCCCACGGAGCCTGGGGAGTACGCT-3'
Protein context (NP_001449.3, residues 609-629): EGPSQAKIEC[Asp619=]DKGDGSCDVR